The following is an entry in ClinVar:

NM_000051.4(ATM):c.2376+17C>G

Gene: ATM (ATM serine/threonine kinase; plus strand). Cytogenetic location: 11q22.3.
Variant type: single nucleotide variant.
Coding change: c.2376+17C>G on transcript NM_000051.4 (MANE Select); 17 bases into the intron after coding-DNA position 2376, C replaced by G.
Molecular consequence: intron variant.
Genome position (GRCh38, 1-based): chr11:108,257,623, C>G. VCF-style: chr11-108257623-C-G. GRCh37 (hg19) VCF-style: chr11-108128350-C-G.
Other names: c.2376+17C>G (NM_000051.3, NM_001351834.2).
Identifiers: ClinVar variation 1897716 (VCV001897716.6), dbSNP rs1555075846, ClinGen allele CA654145643.

ClinVar aggregate classification (germline): Conflicting classifications of pathogenicity. Review status: criteria provided, conflicting classifications (1 of 4 stars). 2 submissions from 2 submitters: Uncertain significance (1); Likely benign (1). Last evaluated 2022-07-29.

Conditions:
Hereditary cancer-predisposing syndrome. Also called: Tumor predisposition; Neoplastic Syndromes, Hereditary; Hereditary neoplastic syndrome; Hereditary Cancer Syndrome. Identifiers: Orphanet 140162, MedGen C0027672, MeSH D009386, MONDO:0015356.
Ataxia-telangiectasia syndrome (AT). Also called: AT, COMPLEMENTATION GROUP C; LOUIS-BAR SYNDROME; Cerebello-oculocutaneous telangiectasia; Immunodeficiency with ataxia telangiectasia; ATAXIA-TELANGIECTASIA, COMPLEMENTATION GROUP A; ATAXIA-TELANGIECTASIA, FRESNO VARIANT. Identifiers: Orphanet 100, MedGen C0004135, MONDO:0008840, OMIM 208900.

Allele frequency attached by ClinVar (database versions not stated): gnomAD 0.00001.
gnomAD v4.1: 1 of 1,611,530 alleles (0.000062%); highest among the groups gnomAD compares: African/African-American, 0.0013%; no homozygotes.

Submissions (2):

Labcorp Genetics (formerly Invitae), Labcorp
Classification: Likely benign for Ataxia-telangiectasia syndrome. Last evaluated: 2022-07-29. Review status: criteria provided, single submitter. Criteria: Invitae Variant Classification Sherloc (09022015). Collection method: clinical testing. Allele origin: germline.

Ambry Genetics
Classification: Uncertain significance for Hereditary cancer-predisposing syndrome. Last evaluated: 2014-12-13. Review status: criteria provided, single submitter. Criteria: Ambry Variant Classification Scheme 2023. Collection method: clinical testing. Allele origin: germline.
Comment: The c.2376+17C>G intronic alteration consists of a C to G substitution 7 nucleotides after coding exon 14 in the ATM gene. Based on insufficient or conflicting evidence, the clinical significance of this alteration remains unclear.